The following is an entry in ClinVar:

ClinVar aggregate classification (germline): Uncertain significance. Review status: criteria provided, multiple submitters, no conflicts (2 of 4 stars). 2 submissions from 2 submitters: Uncertain significance (2). Last evaluated 2025-12-10.

Conditions:
Inborn genetic diseases. Identifiers: MedGen C0950123, MeSH D030342.

gnomAD v4.1: 3 of 1,612,466 alleles (0.00019%); highest among the groups gnomAD compares: Admixed American, 0.0017%; no homozygotes.

Submissions (2):

Ambry Genetics
Classification: Uncertain significance for Inborn genetic diseases. Last evaluated: 2025-12-10. Review status: criteria provided, single submitter. Criteria: Ambry Variant Classification Scheme 2023. Collection method: clinical testing. Allele origin: germline.
Comment: The p.F896S variant (also known as c.2687T>C), located in coding exon 1 of the SAMD9L gene, results from a T to C substitution at nucleotide position 2687. The phenylalanine at codon 896 is replaced by serine, an amino acid with highly dissimilar properties. This amino acid position is conserved. In addition, the in silico prediction for this alteration is inconclusive. Based on the available evidence, the clinical significance of this variant remains unclear.

Labcorp Genetics (formerly Invitae), Labcorp
Classification: Uncertain significance. Last evaluated: 2024-02-04. Review status: criteria provided, single submitter. Criteria: Invitae Variant Classification Sherloc (09022015). Collection method: clinical testing. Allele origin: germline.
Comment: This sequence change replaces phenylalanine, which is neutral and non-polar, with serine, which is neutral and polar, at codon 896 of the SAMD9L protein (p.Phe896Ser). This variant is present in population databases (rs776638593, gnomAD 0.003%). This variant has not been reported in the literature in individuals affected with SAMD9L-related conditions. Advanced modeling of protein sequence and biophysical properties (such as structural, functional, and spatial information, amino acid conservation, physicochemical variation, residue mobility, and thermodynamic stability) performed at Invitae indicates that this missense variant is expected to disrupt SAMD9L protein function with a positive predictive value of 80%. In summary, the available evidence is currently insufficient to determine the role of this variant in disease. Therefore, it has been classified as a Variant of Uncertain Significance.

NM_152703.5(SAMD9L):c.2687T>C (p.Phe896Ser)

Gene: SAMD9L (sterile alpha motif domain containing 9 like; minus strand). Cytogenetic location: 7q21.2.
Variant type: single nucleotide variant.
Coding change: c.2687T>C on transcript NM_152703.5 (MANE Select); coding-DNA position 2687, T replaced by C.
Protein change: p.Phe896Ser; replaces phenylalanine 896 with serine.
Molecular consequence: missense variant.
Genome position (GRCh38, 1-based): chr7:93,133,285, A>G on the plus strand (T>C on the coding strand, the complement: SAMD9L is on the minus strand). VCF-style: chr7-93133285-A-G. GRCh37 (hg19) VCF-style: chr7-92762598-A-G.
Other names: c.2687T>C, p.Phe896Ser (NM_001303496.3, NM_001303497.3, NM_001303498.3 and 5 more transcripts); c.2687T>C (NM_152703.2); short protein forms F896S.
Identifiers: ClinVar variation 3696393 (VCV003696393.3).